The following is an entry in ClinVar:

NM_018946.4(NANS):c.684G>A (p.Val228=)

Genes: NANS (N-acetylneuraminate synthase; plus strand), TRIM14 (tripartite motif containing 14; minus strand). Cytogenetic location: 9q22.33.
Variant type: single nucleotide variant.
Coding change: c.684G>A on transcript NM_018946.4 (MANE Select); coding-DNA position 684, G replaced by A.
Protein change: p.Val228=; no amino-acid change (valine 228 retained).
Molecular consequence: synonymous variant.
Genome position (GRCh38, 1-based): chr9:98,080,896, G>A. VCF-style: chr9-98080896-G-A. GRCh37 (hg19) VCF-style: chr9-100843178-G-A.
Identifiers: ClinVar variation 721617 (VCV000721617.18), dbSNP rs374656906, ClinGen allele CA5150365.

ClinVar aggregate classification (germline): Benign/Likely benign. Review status: criteria provided, multiple submitters, no conflicts (2 of 4 stars). 3 submissions from 3 submitters: Benign (1); Likely benign (2). Last evaluated 2025-10-07.

Allele frequency attached by ClinVar (database versions not stated): gnomAD 0.00005 and 0.00048; ESP Exome Variant Server 0.00008; TOPMed 0.00010; gnomAD exomes 0.00067 and 0.00135; ExAC 0.00159; 1000 Genomes Project 0.00200; 1000 Genomes Project 30x 0.00234.
gnomAD v4.1: 1,079 of 1,614,182 alleles (0.067%); highest among the groups gnomAD compares: South Asian, 1%; 10 homozygotes.

Submissions (3):

Labcorp Genetics (formerly Invitae), Labcorp
Classification: Benign. Last evaluated: 2025-10-07. Review status: criteria provided, single submitter. Criteria: Invitae Variant Classification Sherloc (09022015). Collection method: clinical testing. Allele origin: germline.

CeGaT Center for Human Genetics Tuebingen
Classification: Likely benign. Last evaluated: 2025-03-01. Review status: criteria provided, single submitter. Criteria: CeGaT Center For Human Genetics Tuebingen Variant Classification Criteria Version 2. Collection method: clinical testing. Allele origin: germline. Affected: yes. Observed: 1 variant allele.
Comment: NANS: BP4, BP7, BS1

Blueprint Genetics
Classification: Likely benign. Last evaluated: 2024-11-25. Review status: criteria provided, single submitter. Criteria: ACMG Guidelines, 2015. Collection method: clinical testing. Allele origin: germline.